The following is an entry in ClinVar:

ClinVar aggregate classification (germline): Likely pathogenic (1 of 4 stars; one submission).

Conditions:
Immunodeficiency, common variable, 12 (CVID12). Also called: IMMUNODEFICIENCY, COMMON VARIABLE, 12, WITH AUTOIMMUNITY; NFKB1 DEFICIENCY. Identifiers: Orphanet 1572, Orphanet 696874, MedGen C4225277, MONDO:0014697, OMIM 616576.

Submission:

Neuberg Centre For Genomic Medicine, NCGM
Classification: Likely pathogenic for Immunodeficiency, common variable, 12. Review status: criteria provided, single submitter. Criteria: ACMG Guidelines, 2015. Collection method: clinical testing. Allele origin: germline. Inheritance: Autosomal dominant inheritance. Affected: yes.
Comment: The splice site c.927+2T>C variant in the NFKB1 gene has not been reported previously as a pathogenic variant nor as a benign

NM_003998.4(NFKB1):c.927+2T>C

Gene: NFKB1 (nuclear factor kappa B subunit 1; plus strand). Cytogenetic location: 4q24.
Variant type: single nucleotide variant.
Coding change: c.927+2T>C on transcript NM_003998.4 (MANE Select); the canonical splice donor site of the intron after coding-DNA position 927, T replaced by C.
Molecular consequence: splice donor variant.
Genome position (GRCh38, 1-based): chr4:102,582,959, T>C. VCF-style: chr4-102582959-T-C. GRCh37 (hg19) VCF-style: chr4-103504116-T-C.
Other names: c.927+2T>C (NM_001382626.1, NM_001382625.1); c.924+2T>C (NM_001382627.1, NM_001165412.2, NM_001319226.2); c.885+2T>C (NM_001382628.1).
Identifiers: ClinVar variation 3242029 (VCV003242029.1), dbSNP rs2476436133.